The following is an entry in ClinVar:

NM_032229.3(SLITRK6):c.1049G>A (p.Arg350His)

Gene: SLITRK6 (SLIT and NTRK like family member 6; minus strand). Cytogenetic location: 13q31.1.
Variant type: single nucleotide variant.
Coding change: c.1049G>A on transcript NM_032229.3 (MANE Select); coding-DNA position 1049, G replaced by A.
Protein change: p.Arg350His; replaces arginine 350 with histidine.
Molecular consequence: missense variant.
Genome position (GRCh38, 1-based): chr13:85,795,460, C>T on the plus strand (G>A on the coding strand, the complement: SLITRK6 is on the minus strand). VCF-style: chr13-85795460-C-T. GRCh37 (hg19) VCF-style: chr13-86369595-C-T.
Other names: c.1049G>A (NM_032229.2); short protein forms R350H.
Identifiers: ClinVar variation 2054272 (VCV002054272.5), dbSNP rs1208914688, ClinGen allele CA388378831.

ClinVar aggregate classification (germline): Uncertain significance. Review status: criteria provided, multiple submitters, no conflicts (2 of 4 stars). 2 submissions from 2 submitters: Uncertain significance (2). Last evaluated 2024-08-10.

Conditions:
Inborn genetic diseases. Identifiers: MedGen C0950123, MeSH D030342.

Allele frequency attached by ClinVar (database versions not stated): gnomAD 0.00002; 1000 Genomes Project 30x 0.00016; TOPMed below 0.00001.
gnomAD v4.1: 11 of 1,612,924 alleles (0.00068%); highest among the groups gnomAD compares: East Asian, 0.013%; no homozygotes.

Submissions (2):

Ambry Genetics
Classification: Uncertain significance for Inborn genetic diseases. Last evaluated: 2024-08-10. Review status: criteria provided, single submitter. Criteria: Ambry Variant Classification Scheme 2023. Collection method: clinical testing. Allele origin: germline.

Labcorp Genetics (formerly Invitae), Labcorp
Classification: Uncertain significance. Last evaluated: 2022-07-30. Review status: criteria provided, single submitter. Criteria: Invitae Variant Classification Sherloc (09022015). Collection method: clinical testing. Allele origin: germline.
Comment: This sequence change replaces arginine, which is basic and polar, with histidine, which is basic and polar, at codon 350 of the SLITRK6 protein (p.Arg350His). In summary, the available evidence is currently insufficient to determine the role of this variant in disease. Therefore, it has been classified as a Variant of Uncertain Significance. Algorithms developed to predict the effect of missense changes on protein structure and function output the following: SIFT: "Deleterious"; PolyPhen-2: "Benign"; Align-GVGD: "Class C0". The histidine amino acid residue is found in multiple mammalian species, which suggests that this missense change does not adversely affect protein function. This variant has not been reported in the literature in individuals affected with SLITRK6-related conditions. This variant is present in population databases (no rsID available, gnomAD 0.005%).